The following is an entry in ClinVar:

NM_000541.5(SAG):c.444G>C (p.Gly148=)

Gene: SAG (S-antigen visual arrestin; plus strand). Cytogenetic location: 2q37.1.
Variant type: single nucleotide variant.
Coding change: c.444G>C on transcript NM_000541.5 (MANE Select); coding-DNA position 444, G replaced by C.
Protein change: p.Gly148=; no amino-acid change (glycine 148 retained).
Molecular consequence: synonymous variant.
Genome position (GRCh38, 1-based): chr2:233,327,129, G>C. VCF-style: chr2-233327129-G-C. GRCh37 (hg19) VCF-style: chr2-234235775-G-C.
Other names: c.444G>C (NM_000541.4).
Identifiers: ClinVar variation 1111997 (VCV001111997.11), dbSNP rs146469891, ClinGen allele CA2174382.

ClinVar aggregate classification (germline): Likely benign. Review status: criteria provided, multiple submitters, no conflicts (2 of 4 stars). 3 submissions from 3 submitters: Likely benign (3). Last evaluated 2025-11-19.

Conditions:
SAG-related disorder. Also called: SAG-related condition; SAG-related disorders.

Allele frequency attached by ClinVar (database versions not stated): ESP Exome Variant Server 0.00016; gnomAD 0.00017 and 0.00020; 1000 Genomes Project 0.00040; 1000 Genomes Project 30x 0.00047.
gnomAD v4.1: 62 of 1,613,846 alleles (0.0038%); highest among the groups gnomAD compares: African/African-American, 0.08%; no homozygotes.

Submissions (3):

Labcorp Genetics (formerly Invitae), Labcorp
Classification: Likely benign. Last evaluated: 2025-11-19. Review status: criteria provided, single submitter. Criteria: Invitae Variant Classification Sherloc (09022015). Collection method: clinical testing. Allele origin: germline.

PreventionGenetics, part of Exact Sciences
Classification: Likely benign for SAG-related condition. Last evaluated: 2025-01-01. Review status: criteria provided, single submitter. Criteria: ACMG Guidelines, 2015. Collection method: clinical testing. Allele origin: germline.
Comment: This variant is classified as likely benign based on ACMG/AMP sequence variant interpretation guidelines (Richards et al. 2015 PMID: 25741868, with internal and published modifications).

Blueprint Genetics
Classification: Likely benign. Last evaluated: 2022-07-29. Review status: criteria provided, single submitter. Criteria: ACMG Guidelines, 2015. Collection method: clinical testing. Allele origin: germline.